The following is an entry in ClinVar:

ClinVar aggregate classification (germline): Uncertain significance (1 of 4 stars; one submission).

Conditions:
Cardiovascular phenotype. Identifiers: MedGen CN230736.

Submission:

Ambry Genetics
Classification: Uncertain significance for Cardiovascular phenotype. Last evaluated: 2023-10-19. Review status: criteria provided, single submitter. Criteria: Ambry Variant Classification Scheme 2023. Collection method: clinical testing. Allele origin: germline.
Comment: The p.Q2L variant (also known as c.5A>T), located in coding exon 1 of the SOS2 gene, results from an A to T substitution at nucleotide position 5. The glutamine at codon 2 is replaced by leucine, an amino acid with dissimilar properties. This amino acid position is conserved. In addition, the in silico prediction for this alteration is inconclusive. Since supporting evidence is limited at this time, the clinical significance of this alteration remains unclear.

NM_006939.4(SOS2):c.5A>T (p.Gln2Leu)

Genes: SOS2 (SOS Ras/Rho guanine nucleotide exchange factor 2; minus strand), LOC130055588 (ATAC-STARR-seq lymphoblastoid silent region 5718; plus strand). Cytogenetic location: 14q21.3.
Variant type: single nucleotide variant.
Coding change: c.5A>T on transcript NM_006939.4 (MANE Select); coding-DNA position 5, A replaced by T.
Protein change: p.Gln2Leu; replaces glutamine 2 with leucine.
Molecular consequence: missense variant.
Genome position (GRCh38, 1-based): chr14:50,231,279, T>A on the plus strand (A>T on the coding strand, the complement: SOS2 is on the minus strand). VCF-style: chr14-50231279-T-A. GRCh37 (hg19) VCF-style: chr14-50697997-T-A.
Other names: c.5A>T, p.Gln2Leu (NM_001411020.1); short protein forms Q2L.
Identifiers: ClinVar variation 3225970 (VCV003225970.1), dbSNP rs2503347322, ClinGen allele CA389657731.